The following is an entry in ClinVar:

ClinVar aggregate classification (germline): Uncertain significance. Review status: criteria provided, single submitter (1 of 4 stars). 2 submissions from 2 submitters: Uncertain significance (1). 1 of the submissions does not count toward it. Last evaluated 2025-02-27.

Conditions:
Glycogen storage disease, type II (IOPD). Also called: Glycogen storage disease type 2; Acid maltase deficiency disease; Aglucosidase alfa; Deficiency of alpha-glucosidase; Deficiency of lysosomal alpha-glucosidase; Pompe Disease. Identifiers: Orphanet 365, MedGen C0017921, MONDO:0009290, OMIM 232300.

Allele frequency attached by ClinVar (database versions not stated): gnomAD exomes below 0.00001.

Submissions (2):

Labcorp Genetics (formerly Invitae), Labcorp
Classification: Uncertain significance for Glycogen storage disease, type II. Last evaluated: 2025-02-27. Review status: criteria provided, single submitter. Criteria: Invitae Variant Classification Sherloc (09022015). Collection method: clinical testing. Allele origin: germline.
Comment: This sequence change replaces histidine, which is basic and polar, with leucine, which is neutral and non-polar, at codon 56 of the GAA protein (p.His56Leu). This variant is not present in population databases (gnomAD no frequency). This variant has not been reported in the literature in individuals affected with GAA-related conditions. ClinVar contains an entry for this variant (Variation ID: 854434). Invitae Evidence Modeling of protein sequence and biophysical properties (such as structural, functional, and spatial information, amino acid conservation, physicochemical variation, residue mobility, and thermodynamic stability) indicates that this missense variant is not expected to disrupt GAA protein function with a negative predictive value of 95%. In summary, the available evidence is currently insufficient to determine the role of this variant in disease. Therefore, it has been classified as a Variant of Uncertain Significance.

Natera, Inc.
Classification: Uncertain significance for Glycogen storage disease type II. Last evaluated: 2020-01-24. Review status: no assertion criteria provided. Collection method: clinical testing. Allele origin: germline. Not counted in ClinVar's aggregate classification.

NM_000152.5(GAA):c.167A>T (p.His56Leu)

Gene: GAA (alpha glucosidase; plus strand). Cytogenetic location: 17q25.3.
Variant type: single nucleotide variant.
Coding change: c.167A>T on transcript NM_000152.5 (MANE Select); coding-DNA position 167, A replaced by T.
Protein change: p.His56Leu; replaces histidine 56 with leucine.
Molecular consequence: missense variant.
Genome position (GRCh38, 1-based): chr17:80,104,753, A>T. VCF-style: chr17-80104753-A-T. GRCh37 (hg19) VCF-style: chr17-78078552-A-T.
Other names: c.167A>T, p.His56Leu (NM_001079803.3, NM_001079804.3); short protein forms H56L.
Identifiers: ClinVar variation 854434 (VCV000854434.10), dbSNP rs113740017, ClinGen allele CA294886644.